The following is an entry in ClinVar:

NM_000219.6(KCNE1):c.323T>G (p.Val108Gly)

Gene: KCNE1 (potassium voltage-gated channel subfamily E regulatory subunit 1; minus strand). Cytogenetic location: 21q22.12.
Variant type: single nucleotide variant.
Coding change: c.323T>G on transcript NM_000219.6 (MANE Select); coding-DNA position 323, T replaced by G.
Protein change: p.Val108Gly; replaces valine 108 with glycine.
Molecular consequence: missense variant.
Genome position (GRCh38, 1-based): chr21:34,449,312, A>C on the plus strand (T>G on the coding strand, the complement: KCNE1 is on the minus strand). VCF-style: chr21-34449312-A-C. GRCh37 (hg19) VCF-style: chr21-35821610-A-C.
Other names: c.323T>G, p.Val108Gly (NM_001127668.4, NM_001127669.4, NM_001127670.4 and 4 more transcripts); short protein forms V108G.
Identifiers: ClinVar variation 3374640 (VCV003374640.2).

Conditions:
Long QT syndrome 5 (LQT5). Identifiers: Orphanet 101016, Orphanet 768, MedGen C1867904, MONDO:0013372, OMIM 613695.

Submission:

Roden Lab, Vanderbilt University Medical Center
No classification provided (evidence only). Condition: Long QT syndrome 5. Review status: no classification provided. Collection method: in vitro. Allele origin: not applicable. Functional consequence: Effect on ion channel function.
ClinVar note: "not provided" was previously submitted as the classification for the variant. However, the classification appeared to be based only on an observation of functional data so it was converted to no classification on 2025-07-30.